The following is an entry in ClinVar:

NM_000260.4(MYO7A):c.1574T>G (p.Leu525Ter)

Gene: MYO7A (myosin VIIA; plus strand). Cytogenetic location: 11q13.5.
Variant type: single nucleotide variant.
Coding change: c.1574T>G on transcript NM_000260.4 (MANE Select); coding-DNA position 1574, T replaced by G.
Protein change: p.Leu525Ter; replaces leucine 525 with a stop codon.
Molecular consequence: nonsense.
Genome position (GRCh38, 1-based): chr11:77,162,872, T>G. VCF-style: chr11-77162872-T-G. GRCh37 (hg19) VCF-style: chr11-76873918-T-G.
Other names: c.1574T>G, p.Leu525Ter (NM_001127180.2); c.1541T>G, p.Leu514Ter (NM_001369365.1); short protein forms L514*, L525*.
Identifiers: ClinVar variation 934698 (VCV000934698.7), dbSNP rs1953131447, ClinGen allele CA381935982.

ClinVar aggregate classification (germline): Pathogenic (1 of 4 stars; one submission).

Submission:

Labcorp Genetics (formerly Invitae), Labcorp
Classification: Pathogenic. Last evaluated: 2021-06-10. Review status: criteria provided, single submitter. Criteria: Invitae Variant Classification Sherloc (09022015). Collection method: clinical testing. Allele origin: germline.
Comment: This sequence change creates a premature translational stop signal (p.Leu525*) in the MYO7A gene. It is expected to result in an absent or disrupted protein product. Loss-of-function variants in MYO7A are known to be pathogenic (PMID: 8900236, 25404053). This variant is not present in population databases (ExAC no frequency). This variant has not been reported in the literature in individuals with MYO7A-related conditions. ClinVar contains an entry for this variant (Variation ID: 934698). For these reasons, this variant has been classified as Pathogenic.

Literature cited by the submitters: PubMed 8900236; PubMed 25404053.